The following is an entry in ClinVar:

NM_053025.4(MYLK):c.3680C>T (p.Ala1227Val)

Gene: MYLK (myosin light chain kinase; minus strand). Cytogenetic location: 3q21.1.
Variant type: single nucleotide variant.
Coding change: c.3680C>T on transcript NM_053025.4 (MANE Select); coding-DNA position 3680, C replaced by T.
Protein change: p.Ala1227Val; replaces alanine 1227 with valine.
Molecular consequence: missense variant.
Genome position (GRCh38, 1-based): chr3:123,667,160, G>A on the plus strand (C>T on the coding strand, the complement: MYLK is on the minus strand). VCF-style: chr3-123667160-G-A. GRCh37 (hg19) VCF-style: chr3-123386007-G-A.
Other names: c.3152C>T, p.Ala1051Val (NM_001321309.2); c.3473C>T, p.Ala1158Val (NM_053026.4, NM_053028.4); c.3680C>T, p.Ala1227Val (NM_053027.4); short protein forms A1227V, A1158V, A1051V.
Identifiers: ClinVar variation 4115054 (VCV004115054.1).

ClinVar aggregate classification (germline): Uncertain significance (1 of 4 stars; one submission).

Conditions:
Familial thoracic aortic aneurysm and aortic dissection (TAAD). Also called: Thoracic aortic aneurysms and dissections. Identifiers: Orphanet 91387, MedGen C4707243, MONDO:0019625.

gnomAD v4.1: 4 of 1,614,120 alleles (0.00025%); highest among the groups gnomAD compares: Non-Finnish European, 0.00034%; no homozygotes.

Submission:

Ambry Genetics
Classification: Uncertain significance for Familial thoracic aortic aneurysm and aortic dissection. Last evaluated: 2025-07-22. Review status: criteria provided, single submitter. Criteria: Ambry Variant Classification Scheme 2023. Collection method: clinical testing. Allele origin: germline.
Comment: The p.A1227V variant (also known as c.3680C>T), located in coding exon 18 of the MYLK gene, results from a C to T substitution at nucleotide position 3680. The alanine at codon 1227 is replaced by valine, an amino acid with similar properties. This amino acid position is conserved. In addition, this alteration is predicted to be tolerated by in silico analysis. Based on the available evidence, the clinical significance of this variant remains unclear.